The following is an entry in ClinVar:

NM_004415.4(DSP):c.3609_3610delinsAG (p.Met1203_Ser1204delinsIleGly)

Gene: DSP (desmoplakin; plus strand). Cytogenetic location: 6p24.3.
Variant type: Indel.
Coding change: c.3609_3610delinsAG on transcript NM_004415.4 (MANE Select); coding-DNA positions 3609 to 3610, GA replaced by AG.
Protein change: p.Met1203_Ser1204delinsIleGly.
Molecular consequence: missense variant. On other transcripts: intron variant (1).
Genome position (GRCh38, 1-based): chr6:7,579,799-7,579,800, GA replaced by AG. VCF-style: chr6-7579799-GA-AG. GRCh37 (hg19) VCF-style: chr6-7580032-GA-AG.
Other names: c.3609_3610delinsAG, p.Met1203_Ser1204delinsIleGly (NM_001319034.2); c.3582+27_3582+28delinsAG (NM_001008844.3); c.3609_3610delGAinsAG (NM_004415.2).
Identifiers: ClinVar variation 1005365 (VCV001005365.11), dbSNP rs1759361326, ClinGen allele CA1608614841.

ClinVar aggregate classification (germline): Uncertain significance. Review status: criteria provided, multiple submitters, no conflicts (2 of 4 stars). 2 submissions from 2 submitters: Uncertain significance (2). Last evaluated 2026-01-19.

Conditions:
Cardiovascular phenotype. Identifiers: MedGen CN230736.
Arrhythmogenic cardiomyopathy with wooly hair and keratoderma. Also called: Dilated cardiomyopathy with woolly hair and keratoderma; Carvajal syndrome; Arrhythmogenic cardiomyopathy with woolly hair and keratoderma; PALMOPLANTAR KERATODERMA WITH LEFT VENTRICULAR CARDIOMYOPATHY AND WOOLLY HAIR. Identifiers: Orphanet 65282, MedGen C1854063, MONDO:0011581, OMIM 605676.
Arrhythmogenic right ventricular dysplasia 8 (ARVD8). Also called: Arrhythmogenic Right Ventricular Dysplasia/Cardiomyopathy 8; ARRHYTHMOGENIC RIGHT VENTRICULAR DYSPLASIA, FAMILIAL, 8; ARRHYTHMOGENIC RIGHT VENTRICULAR CARDIOMYOPATHY 8. Identifiers: MedGen C1843896, MONDO:0011831, OMIM 607450.

Submissions (2):

Labcorp Genetics (formerly Invitae), Labcorp
Classification: Uncertain significance for Arrhythmogenic cardiomyopathy with wooly hair and keratoderma; Arrhythmogenic right ventricular dysplasia 8. Last evaluated: 2026-01-19. Review status: criteria provided, single submitter. Criteria: Invitae Variant Classification Sherloc (09022015). Collection method: clinical testing. Allele origin: germline.
Comment: This variant, c.3609_3610delinsAG, is a complex sequence change that results in the deletion of 2 and insertion of 2 amino acid(s) in the DSP protein (p.Met1203_Ser1204delinsIleGly). Information on the frequency of this variant in the gnomAD database is not available, as this variant may be reported differently in the database. This variant has been observed in individual(s) with dilated cardiomyopathy (PMID: 32880476). ClinVar contains an entry for this variant (Variation ID: 1005365). Experimental studies and prediction algorithms are not available or were not evaluated, and the functional significance of this variant is currently unknown. In summary, the available evidence is currently insufficient to determine the role of this variant in disease. Therefore, it has been classified as a Variant of Uncertain Significance.

Ambry Genetics
Classification: Uncertain significance for Cardiovascular phenotype. Last evaluated: 2023-08-22. Review status: criteria provided, single submitter. Criteria: Ambry Variant Classification Scheme 2023. Collection method: clinical testing. Allele origin: germline.
Comment: The c.3609_3610delGAinsAG variant (also known as p.M1203_S1204delinsIG), located in coding exon 23 of the DSP gene, results from an in-frame deletion of GA and insertion of AG at nucleotide positions 3609 to 3610. This results in the substitution of methionine and serine residues for an isoleucine and glycine residue at codons 1203 and 1204. This variant has been detected in an individual from a dilated cardiomyopathy cohort (Verdonschot JAJ et al. Circ Genom Precis Med, 2020 Oct;13:476-487). These amino acid positions are well conserved in available vertebrate species. In addition, this alteration is predicted to be neutral by in silico analysis (Choi Y et al. PLoS ONE. 2012; 7(10):e46688). Since supporting evidence is limited at this time, the clinical significance of this alteration remains unclear.

Literature cited by the submitters: PubMed 32880476 (cited by Labcorp Genetics (formerly Invitae), Labcorp and Ambry Genetics).